The following is an entry in ClinVar:

NM_054027.6(ANKH):c.1042G>A (p.Val348Met)

Gene: ANKH (ANKH inorganic pyrophosphate transport regulator; minus strand). Cytogenetic location: 5p15.2.
Variant type: single nucleotide variant.
Coding change: c.1042G>A on transcript NM_054027.6 (MANE Select); coding-DNA position 1042, G replaced by A.
Protein change: p.Val348Met; replaces valine 348 with methionine.
Molecular consequence: missense variant.
Genome position (GRCh38, 1-based): chr5:14,716,805, C>T on the plus strand (G>A on the coding strand, the complement: ANKH is on the minus strand). VCF-style: chr5-14716805-C-T. GRCh37 (hg19) VCF-style: chr5-14716914-C-T.
Other names: short protein forms V348M.
Identifiers: ClinVar variation 382267 (VCV000382267.14), dbSNP rs148228793, ClinGen allele CA3208932.

ClinVar aggregate classification (germline): Conflicting classifications of pathogenicity. Review status: criteria provided, conflicting classifications (1 of 4 stars). 3 submissions from 3 submitters: Uncertain significance (1); Likely benign (1). 1 of the submissions does not count toward it. Last evaluated 2026-10-06.

Conditions:
ANKH-related disorder. Also called: ANKH-Related Disorders; ANKH-related condition.

Allele frequency attached by ClinVar (database versions not stated): ESP Exome Variant Server 0.00015; gnomAD 0.00022; TOPMed 0.00007; ExAC 0.00016.
gnomAD v4.1: 236 of 1,613,958 alleles (0.015%); highest among the groups gnomAD compares: Non-Finnish European, 0.0092%; 1 homozygote.

Submissions (3):

GeneDx
Classification: Uncertain significance. Last evaluated: 2026-10-06. Review status: criteria provided, single submitter. Criteria: GeneDx Variant Classification Process June 2021. Collection method: clinical testing. Allele origin: germline.
Comment: In silico analysis suggests that this missense variant does not alter protein structure/function; Has not been previously published as pathogenic or benign to our knowledge

Labcorp Genetics (formerly Invitae), Labcorp
Classification: Likely benign. Last evaluated: 2023-05-11. Review status: criteria provided, single submitter. Criteria: Invitae Variant Classification Sherloc (09022015). Collection method: clinical testing. Allele origin: germline.

PreventionGenetics, part of Exact Sciences
Classification: Likely benign for ANKH-related condition. Last evaluated: 2020-03-12. Review status: no assertion criteria provided. Collection method: clinical testing. Allele origin: germline. Not counted in ClinVar's aggregate classification.
Comment: This variant is classified as likely benign based on ACMG/AMP sequence variant interpretation guidelines (Richards et al. 2015 PMID: 25741868, with internal and published modifications).